The following is an entry in ClinVar:

NM_001972.4(ELANE):c.68-13G>A

Gene: ELANE (elastase, neutrophil expressed; plus strand). Cytogenetic location: 19p13.3.
Variant type: single nucleotide variant.
Coding change: c.68-13G>A on transcript NM_001972.4 (MANE Select); 13 bases into the intron before coding-DNA position 68, G replaced by A.
Molecular consequence: intron variant.
Genome position (GRCh38, 1-based): chr19:852,863, G>A. VCF-style: chr19-852863-G-A. GRCh37 (hg19) VCF-style: chr19-852863-G-A.
Other names: c.68-13G>A (LRG_57t1).
Identifiers: ClinVar variation 511638 (VCV000511638.10), dbSNP rs371409487, ClinGen allele CA9025926.

ClinVar aggregate classification (germline): Conflicting classifications of pathogenicity. Review status: criteria provided, conflicting classifications (1 of 4 stars). 3 submissions from 3 submitters: Uncertain significance (2); Likely benign (1). Last evaluated 2026-01-03.

Conditions:
Neutropenia, severe congenital, 1, autosomal dominant. Identifiers: MedGen C1859966, MONDO:0042490, OMIM 202700.
Cyclical neutropenia. Also called: Cyclic Neutropenia; Cyclic hematopoiesis. Identifiers: Orphanet 2686, MedGen C0221023, MONDO:0008090, OMIM 162800, HP:0040289. Disease mechanism: loss of function.

Allele frequency attached by ClinVar (database versions not stated): TOPMed 0.00003; gnomAD exomes 0.00005; ExAC 0.00006; gnomAD 0.00007; 1000 Genomes Project 30x 0.00016; ESP Exome Variant Server 0.00025.
gnomAD v4.1: 78 of 1,593,252 alleles (0.0049%); highest among the groups gnomAD compares: Middle Eastern, 0.017%; no homozygotes.

Submissions (3):

Labcorp Genetics (formerly Invitae), Labcorp
Classification: Uncertain significance for Neutropenia, severe congenital, 1, autosomal dominant; Cyclical neutropenia. Last evaluated: 2026-01-03. Review status: criteria provided, single submitter. Criteria: Invitae Variant Classification Sherloc (09022015). Collection method: clinical testing. Allele origin: germline.
Comment: This sequence change falls in intron 1 of the ELANE gene. It does not directly change the encoded amino acid sequence of the ELANE protein. This variant is present in population databases (rs371409487, gnomAD 0.01%). This variant has not been reported in the literature in individuals affected with ELANE-related conditions. ClinVar contains an entry for this variant (Variation ID: 511638). Algorithms developed to predict the effect of sequence changes on RNA splicing suggest that this variant may disrupt the consensus splice site. In summary, the available evidence is currently insufficient to determine the role of this variant in disease. Therefore, it has been classified as a Variant of Uncertain Significance.

ARUP Laboratories, Molecular Genetics and Genomics, ARUP Laboratories
Classification: Uncertain significance. Last evaluated: 2023-09-20. Review status: criteria provided, single submitter. Criteria: ARUP Molecular Germline Variant Investigation Process 2024. Collection method: clinical testing. Allele origin: germline.
Comment: The ELANE c.68-13G>A variant (rs371409487), to our knowledge, is not reported in the medical literature but is reported in ClinVar (Variation ID: 511638). This variant is found in the general population with an overall allele frequency of 0.006% (14/250,098 alleles) in the Genome Aggregation Database. This is an intronic variant in a weakly conserved nucleotide, but computational analyses (Alamut Visual Plus v.1.5.1) predict that this variant may impact splicing by weakening the nearby canonical acceptor splice site. However, given the lack of clinical and functional data, the significance of this variant is uncertain at this time.

GeneDx
Classification: Likely benign. Last evaluated: 2017-08-23. Review status: criteria provided, single submitter. Criteria: GeneDx Variant Classification (06012015). Collection method: clinical testing. Allele origin: germline. Affected: yes.
Comment: This variant is considered likely benign or benign based on one or more of the following criteria: it is a conservative change, it occurs at a poorly conserved position in the protein, it is predicted to be benign by multiple in silico algorithms, and/or has population frequency not consistent with disease.